The following is an entry in ClinVar:

NM_001371986.1(UNC80):c.4572G>A (p.Ser1524=)

Gene: UNC80 (unc-80 subunit of NALCN channel complex; plus strand). Cytogenetic location: 2q34.
Variant type: single nucleotide variant.
Coding change: c.4572G>A on transcript NM_001371986.1 (MANE Select); coding-DNA position 4572, G replaced by A.
Protein change: p.Ser1524=; no amino-acid change (serine 1524 retained).
Molecular consequence: synonymous variant.
Genome position (GRCh38, 1-based): chr2:209,896,404, G>A. VCF-style: chr2-209896404-G-A. GRCh37 (hg19) VCF-style: chr2-210761128-G-A.
Other names: c.4374G>A, p.Ser1458= (NM_032504.2); c.4359G>A, p.Ser1453= (NM_182587.4).
Identifiers: ClinVar variation 787655 (VCV000787655.36), dbSNP rs200541732, ClinGen allele CA2083209.

ClinVar aggregate classification (germline): Benign/Likely benign. Review status: criteria provided, multiple submitters, no conflicts (2 of 4 stars). 5 submissions from 5 submitters: Benign (1); Likely benign (3). 1 of the submissions does not count toward it. Last evaluated 2026-05-01.

Conditions:
UNC80-related disorder. Also called: UNC80-related condition.
Hypotonia, infantile, with psychomotor retardation and characteristic facies 2 (IHPRF2). Also called: UNC80 Deficiency. Identifiers: Orphanet 371364, Orphanet 700333, MedGen C4225203, MONDO:0014777, OMIM 616801.

Allele frequency attached by ClinVar (database versions not stated): ExAC 0.00078; gnomAD exomes 0.00081 and 0.00133; TOPMed 0.00088; gnomAD 0.00093 and 0.00098; ESP Exome Variant Server 0.00131.
gnomAD v4.1: 1,977 of 1,551,424 alleles (0.13%); highest among the groups gnomAD compares: Non-Finnish European, 0.16%; 4 homozygotes.

Submissions (5):

CeGaT Center for Human Genetics Tuebingen
Classification: Likely benign. Last evaluated: 2026-05-01. Review status: criteria provided, single submitter. Criteria: CeGaT Center For Human Genetics Tuebingen Variant Classification Criteria Version 2. Collection method: clinical testing. Allele origin: germline. Affected: yes. Observed: 5 variant alleles.
Comment: UNC80: BP4, BP7

Labcorp Genetics (formerly Invitae), Labcorp
Classification: Likely benign. Last evaluated: 2026-01-29. Review status: criteria provided, single submitter. Criteria: Invitae Variant Classification Sherloc (09022015). Collection method: clinical testing. Allele origin: germline.

Blueprint Genetics
Classification: Likely benign. Last evaluated: 2024-11-11. Review status: criteria provided, single submitter. Criteria: ACMG Guidelines, 2015. Collection method: clinical testing. Allele origin: germline.

ARUP Laboratories, Molecular Genetics and Genomics, ARUP Laboratories
Classification: Benign for Hypotonia, infantile, with psychomotor retardation and characteristic facies 2. Last evaluated: 2024-03-25. Review status: criteria provided, single submitter. Criteria: ARUP Molecular Germline Variant Investigation Process 2024. Collection method: clinical testing. Allele origin: germline.

PreventionGenetics, part of Exact Sciences
Classification: Likely benign for UNC80-related condition. Last evaluated: 2019-04-26. Review status: no assertion criteria provided. Collection method: clinical testing. Allele origin: germline. Not counted in ClinVar's aggregate classification.
Comment: This variant is classified as likely benign based on ACMG/AMP sequence variant interpretation guidelines (Richards et al. 2015 PMID: 25741868, with internal and published modifications).